The following is an entry in ClinVar:

NM_001035.3(RYR2):c.295-6C>G

Gene: RYR2 (ryanodine receptor 2; plus strand). Cytogenetic location: 1q43.
Variant type: single nucleotide variant.
Coding change: c.295-6C>G on transcript NM_001035.3 (MANE Select); 6 bases into the intron before coding-DNA position 295, C replaced by G.
Molecular consequence: intron variant.
Genome position (GRCh38, 1-based): chr1:237,364,352, C>G. VCF-style: chr1-237364352-C-G. GRCh37 (hg19) VCF-style: chr1-237527652-C-G.
Identifiers: ClinVar variation 926139 (VCV000926139.4), dbSNP rs1700027349, ClinGen allele CA1139656646.

ClinVar aggregate classification (germline): Conflicting classifications of pathogenicity. Review status: criteria provided, conflicting classifications (1 of 4 stars). 2 submissions from 2 submitters: Uncertain significance (1); Likely benign (1). Last evaluated 2026-01-06.

Conditions:
Catecholaminergic polymorphic ventricular tachycardia 1. Also called: VENTRICULAR TACHYCARDIA, CATECHOLAMINERGIC POLYMORPHIC, 1, WITH OR WITHOUT ATRIAL DYSFUNCTION AND/OR DILATED CARDIOMYOPATHY; VENTRICULAR TACHYCARDIA, STRESS-INDUCED POLYMORPHIC 1; RYR2-Related Catecholaminergic Polymorphic Ventricular Tachycardia. Identifiers: Orphanet 3286, MedGen C1631597, MONDO:0011484, OMIM 604772.
Cardiomyopathy (CMYO). Also called: Cardiomyopathies. Identifiers: Orphanet 167848, MedGen C0878544, MONDO:0004994, HP:0001638. Inheritance: Various modes of inheritance.

Submissions (2):

Labcorp Genetics (formerly Invitae), Labcorp
Classification: Likely benign for Catecholaminergic polymorphic ventricular tachycardia 1. Last evaluated: 2026-01-06. Review status: criteria provided, single submitter. Criteria: Invitae Variant Classification Sherloc (09022015). Collection method: clinical testing. Allele origin: germline.

Color Diagnostics, LLC DBA Color Health
Classification: Uncertain significance for Cardiomyopathy. Last evaluated: 2019-06-10. Review status: criteria provided, single submitter. Criteria: ACMG Guidelines, 2015. Collection method: clinical testing. Allele origin: germline.
Comment: This variant is located in the intron 4 splice acceptor region of the RYR2 gene. Computational splicing tools and conservation analyses are inconclusive regarding the impact of this variant on RNA splicing. To our knowledge, functional assays have not been performed for this variant nor has this variant been reported in individuals affected with cardiovascular disorders in the literature. This variant has not been identified in the general population by the Genome Aggregation Database (gnomAD). Available evidence is insufficient to determine the role of this variant in disease conclusively. Therefore, this variant is classified as a Variant of Uncertain Significance.